The following is an entry in ClinVar:

ClinVar aggregate classification (germline): Uncertain significance (1 of 4 stars; one submission).

Conditions:
Inborn genetic diseases. Identifiers: MedGen C0950123, MeSH D030342.

Submission:

Ambry Genetics
Classification: Uncertain significance for Inborn genetic diseases. Last evaluated: 2025-06-07. Review status: criteria provided, single submitter. Criteria: Ambry Variant Classification Scheme 2023. Collection method: clinical testing. Allele origin: germline.
Comment: The p.Q382K variant (also known as c.1144C>A), located in coding exon 13 of the FANCA gene, results from a C to A substitution at nucleotide position 1144. The glutamine at codon 382 is replaced by lysine, an amino acid with similar properties. This amino acid position is conserved. In addition, this alteration is predicted to be tolerated by in silico analysis. Based on the available evidence, the clinical significance of this variant remains unclear.

NM_000135.4(FANCA):c.1144C>A (p.Gln382Lys)

Gene: FANCA (FA complementation group A; minus strand). Cytogenetic location: 16q24.3.
Variant type: single nucleotide variant.
Coding change: c.1144C>A on transcript NM_000135.4 (MANE Select); coding-DNA position 1144, C replaced by A.
Protein change: p.Gln382Lys; replaces glutamine 382 with lysine.
Molecular consequence: missense variant.
Genome position (GRCh38, 1-based): chr16:89,792,008, G>T on the plus strand (C>A on the coding strand, the complement: FANCA is on the minus strand). VCF-style: chr16-89792008-G-T. GRCh37 (hg19) VCF-style: chr16-89858416-G-T.
Other names: c.1144C>A, p.Gln382Lys (NM_001286167.3); short protein forms Q382K.
Identifiers: ClinVar variation 4022355 (VCV004022355.1).